The following is an entry in ClinVar:

ClinVar aggregate classification (germline): Likely pathogenic (1 of 4 stars; one submission).

Submission:

Labcorp Genetics (formerly Invitae), Labcorp
Classification: Likely pathogenic. Last evaluated: 2022-08-23. Review status: criteria provided, single submitter. Criteria: Invitae Variant Classification Sherloc (09022015). Collection method: clinical testing. Allele origin: germline.
Comment: Algorithms developed to predict the effect of sequence changes on RNA splicing suggest that this variant may disrupt the consensus splice site. This variant has not been reported in the literature in individuals affected with SCLT1-related conditions. This variant is not present in population databases (gnomAD no frequency). This sequence change affects a donor splice site in intron 11 of the SCLT1 gene. It is expected to disrupt RNA splicing. Variants that disrupt the donor or acceptor splice site typically lead to a loss of protein function (PMID: 16199547), and loss-of-function variants in SCLT1 are known to be pathogenic (PMID: 28005958). In summary, the currently available evidence indicates that the variant is pathogenic, but additional data are needed to prove that conclusively. Therefore, this variant has been classified as Likely Pathogenic.

Literature cited by the submitters: PubMed 16199547; PubMed 28005958.

NM_144643.4(SCLT1):c.869+1G>T

Gene: SCLT1 (sodium channel and clathrin linker 1; minus strand). Cytogenetic location: 4q28.2.
Variant type: single nucleotide variant.
Coding change: c.869+1G>T on transcript NM_144643.4 (MANE Select); the canonical splice donor site of the intron after coding-DNA position 869, G replaced by T.
Molecular consequence: splice donor variant.
Genome position (GRCh38, 1-based): chr4:128,965,226, C>A on the plus strand (G>T on the coding strand, the complement: SCLT1 is on the minus strand). VCF-style: chr4-128965226-C-A. GRCh37 (hg19) VCF-style: chr4-129886381-C-A.
Other names: c.869+1G>T (NM_001410807.1).
Identifiers: ClinVar variation 1914335 (VCV001914335.5), dbSNP rs2530497522, ClinGen allele CA358188983.